The following is an entry in ClinVar:

ClinVar aggregate classification (germline): Pathogenic (1 of 4 stars; one submission).

Submission:

Labcorp Genetics (formerly Invitae), Labcorp
Classification: Pathogenic. Last evaluated: 2023-03-09. Review status: criteria provided, single submitter. Criteria: Invitae Variant Classification Sherloc (09022015). Collection method: clinical testing. Allele origin: germline.
Comment: For these reasons, this variant has been classified as Pathogenic. This variant has not been reported in the literature in individuals affected with FRMPD4-related conditions. This variant is not present in population databases (gnomAD no frequency). This sequence change creates a premature translational stop signal (p.Gln1049*) in the FRMPD4 gene. It is expected to result in an absent or disrupted protein product. Loss-of-function variants in FRMPD4 are known to be pathogenic (PMID: 29267967).

Literature cited by the submitters: PubMed 29267967.

NM_001368397.1(FRMPD4):c.3145C>T (p.Gln1049Ter)

Gene: FRMPD4 (FERM and PDZ domain containing 4; plus strand). Cytogenetic location: Xp22.2.
Variant type: single nucleotide variant.
Coding change: c.3145C>T on transcript NM_001368397.1 (MANE Select); coding-DNA position 3145, C replaced by T.
Protein change: p.Gln1049Ter; replaces glutamine 1049 with a stop codon.
Molecular consequence: nonsense.
Genome position (GRCh38, 1-based): chrX:12,717,971, C>T. VCF-style: chrX-12717971-C-T. GRCh37 (hg19) VCF-style: chrX-12736090-C-T.
Other names: c.3256C>T, p.Gln1086Ter (NM_001368395.3, NM_001368398.3); c.3151C>T, p.Gln1051Ter (NM_001368396.3); c.3136C>T, p.Gln1046Ter (NM_001368399.3); c.3025C>T, p.Gln1009Ter (NM_001368400.3); c.3121C>T, p.Gln1041Ter (NM_001368401.1, NM_001368402.3); c.3145C>T, p.Gln1049Ter (NM_014728.3); short protein forms Q1046*, Q1086*, Q1049*, Q1009*, Q1041*, Q1051*.
Identifiers: ClinVar variation 2840087 (VCV002840087.3), dbSNP rs2519860735, ClinGen allele CA412317153.